The following is an entry in ClinVar:

NM_015139.3(SLC35D1):c.902T>C (p.Met301Thr)

Gene: SLC35D1 (solute carrier family 35 member D1; minus strand). Cytogenetic location: 1p31.3.
Variant type: single nucleotide variant.
Coding change: c.902T>C on transcript NM_015139.3 (MANE Select); coding-DNA position 902, T replaced by C.
Protein change: p.Met301Thr; replaces methionine 301 with threonine.
Molecular consequence: missense variant.
Genome position (GRCh38, 1-based): chr1:67,009,142, A>G on the plus strand (T>C on the coding strand, the complement: SLC35D1 is on the minus strand). VCF-style: chr1-67009142-A-G. GRCh37 (hg19) VCF-style: chr1-67474825-A-G.
Other names: short protein forms M301T.
Identifiers: ClinVar variation 1314773 (VCV001314773.10), dbSNP rs936897641, ClinGen allele CA24005535.

ClinVar aggregate classification (germline): Uncertain significance. Review status: criteria provided, multiple submitters, no conflicts (2 of 4 stars). 3 submissions from 3 submitters: Uncertain significance (3). Last evaluated 2024-11-24.

Conditions:
Inborn genetic diseases. Identifiers: MedGen C0950123, MeSH D030342.
Schneckenbecken dysplasia. Identifiers: Orphanet 3144, MedGen C0432194, MONDO:0010013, OMIM 269250.

Allele frequency attached by ClinVar (database versions not stated): gnomAD exomes below 0.00001; gnomAD 0.00002 and 0.00003; TOPMed 0.00004.
gnomAD v4.1: 12 of 1,462,836 alleles (0.00082%); highest among the groups gnomAD compares: African/African-American, 0.0042%; no homozygotes.

Submissions (3):

Ambry Genetics
Classification: Uncertain significance for Inborn genetic diseases. Last evaluated: 2024-11-24. Review status: criteria provided, single submitter. Criteria: Ambry Variant Classification Scheme 2023. Collection method: clinical testing. Allele origin: germline.

Labcorp Genetics (formerly Invitae), Labcorp
Classification: Uncertain significance for Schneckenbecken dysplasia. Last evaluated: 2021-05-27. Review status: criteria provided, single submitter. Criteria: Invitae Variant Classification Sherloc (09022015). Collection method: clinical testing. Allele origin: germline.
Comment: In summary, the available evidence is currently insufficient to determine the role of this variant in disease. Therefore, it has been classified as a Variant of Uncertain Significance. Algorithms developed to predict the effect of missense changes on protein structure and function (SIFT, PolyPhen-2, Align-GVGD) all suggest that this variant is likely to be disruptive, but these predictions have not been confirmed by published functional studies and their clinical significance is uncertain. This variant has not been reported in the literature in individuals with SLC35D1-related conditions. This variant is not present in population databases (ExAC no frequency). This sequence change replaces methionine with threonine at codon 301 of the SLC35D1 protein (p.Met301Thr). The methionine residue is highly conserved and there is a moderate physicochemical difference between methionine and threonine.

GeneDx
Classification: Uncertain significance. Last evaluated: 2021-04-12. Review status: criteria provided, single submitter. Criteria: GeneDx Variant Classification Process June 2021. Collection method: clinical testing. Allele origin: germline. Affected: yes.
Comment: In silico analysis supports that this missense variant has a deleterious effect on protein structure/function; Has not been previously published as pathogenic or benign to our knowledge